The following is an entry in ClinVar:

NM_001378454.1(ALMS1):c.3002G>T (p.Gly1001Val)

Gene: ALMS1 (ALMS1 centrosome and basal body associated protein; plus strand). Cytogenetic location: 2p13.1.
Variant type: single nucleotide variant.
Coding change: c.3002G>T on transcript NM_001378454.1 (MANE Select); coding-DNA position 3002, G replaced by T.
Protein change: p.Gly1001Val; replaces glycine 1001 with valine.
Molecular consequence: missense variant.
Genome position (GRCh38, 1-based): chr2:73,449,529, G>T. VCF-style: chr2-73449529-G-T. GRCh37 (hg19) VCF-style: chr2-73676656-G-T.
Other names: c.3005G>T, p.Gly1002Val (NM_015120.4); short protein forms G1002V, G1001V.
Identifiers: ClinVar variation 570836 (VCV000570836.15), dbSNP rs773630367, ClinGen allele CA1713448.

ClinVar aggregate classification (germline): Conflicting classifications of pathogenicity. Review status: criteria provided, conflicting classifications (1 of 4 stars). 5 submissions from 5 submitters: Uncertain significance (2); Likely benign (2). 1 of the submissions does not count toward it. Last evaluated 2024-09-14.

Conditions:
Monogenic diabetes. Identifiers: Orphanet 183625, MedGen C3888631, MONDO:0015967.
Cardiovascular phenotype. Identifiers: MedGen CN230736.
Alstrom syndrome (ALMS). Identifiers: Orphanet 64, MedGen C0268425, MONDO:0008763, OMIM 203800.

Allele frequency attached by ClinVar (database versions not stated): ExAC 0.00001; gnomAD 0.00002; TOPMed 0.00002.
gnomAD v4.1: 20 of 1,613,794 alleles (0.0012%); highest among the groups gnomAD compares: Admixed American, 0.0017%; no homozygotes.

Submissions (5):

Ambry Genetics
Classification: Likely benign for Cardiovascular phenotype. Last evaluated: 2024-09-14. Review status: criteria provided, single submitter. Criteria: Ambry Variant Classification Scheme 2023. Collection method: clinical testing. Allele origin: germline.

Labcorp Genetics (formerly Invitae), Labcorp
Classification: Uncertain significance for Alstrom syndrome. Last evaluated: 2022-06-03. Review status: criteria provided, single submitter. Criteria: Invitae Variant Classification Sherloc (09022015). Collection method: clinical testing. Allele origin: germline.
Comment: This sequence change replaces glycine, which is neutral and non-polar, with valine, which is neutral and non-polar, at codon 1002 of the ALMS1 protein (p.Gly1002Val). This variant is present in population databases (rs773630367, gnomAD 0.003%). This variant has not been reported in the literature in individuals affected with ALMS1-related conditions. ClinVar contains an entry for this variant (Variation ID: 570836). In summary, the available evidence is currently insufficient to determine the role of this variant in disease. Therefore, it has been classified as a Variant of Uncertain Significance.

Personalized Diabetes Medicine Program, University of Maryland School of Medicine
Classification: Likely benign for Monogenic diabetes. Last evaluated: 2019-01-11. Review status: criteria provided, single submitter. Criteria: ACMG Guidelines, 2015. Collection method: research. Allele origin: unknown. Observed: 1 variant allele, 1 heterozygote.
Comment: ACMG criteria: BP4 (0.088 + 9 predictors), BP1 (missense in gene where truncating primarily cause disease)= likely benign

Clinical Genomics, Uppaluri K&H Personalized Medicine Clinic
Classification: Uncertain significance for Alstrom syndrome. Review status: criteria provided, single submitter. Criteria: K & H Uppaluri Personalized Medicine Clinic Variant Classification & Assertion Criteria_Updated V.1. Collection method: research. Allele origin: unknown. Inheritance: Autosomal recessive inheritance.
Comment: Potent mutations in ALMS1 are associated with a rare condition called Alstrom syndrome. It can cause excessive eating, insulin resistance. However, no evidence is found to ascertain the role of rs773630367 in Alstrom syndrome yet.

Natera, Inc.
Classification: Uncertain significance for Alstrom syndrome. Last evaluated: 2019-10-28. Review status: no assertion criteria provided. Collection method: clinical testing. Allele origin: germline. Not counted in ClinVar's aggregate classification.

Literature cited by the submitters: PubMed 34148947 (cited by Clinical Genomics, Uppaluri K&H Personalized Medicine Clinic); PubMed 25846608 (cited by Clinical Genomics, Uppaluri K&H Personalized Medicine Clinic); PubMed 30421101 (cited by Clinical Genomics, Uppaluri K&H Personalized Medicine Clinic); PubMed 33669459 (cited by Clinical Genomics, Uppaluri K&H Personalized Medicine Clinic).